The following is an entry in ClinVar:

NM_001458.5(FLNC):c.5842+7C>T

Genes: FLNC (filamin C; plus strand), FLNC-AS1 (FLNC antisense RNA 1; minus strand). Cytogenetic location: 7q32.1.
Variant type: single nucleotide variant.
Coding change: c.5842+7C>T on transcript NM_001458.5 (MANE Select); 7 bases into the intron after coding-DNA position 5842, C replaced by T.
Molecular consequence: intron variant.
Genome position (GRCh38, 1-based): chr7:128,851,635, C>T. VCF-style: chr7-128851635-C-T. GRCh37 (hg19) VCF-style: chr7-128491689-C-T.
Other names: c.5743+7C>T (NM_001127487.2).
Identifiers: ClinVar variation 705377 (VCV000705377.15), dbSNP rs370905549, ClinGen allele CA4475798.

ClinVar aggregate classification (germline): Conflicting classifications of pathogenicity. Review status: criteria provided, conflicting classifications (1 of 4 stars). 5 submissions from 5 submitters: Uncertain significance (2); Benign (1); Likely benign (2). Last evaluated 2026-01-07.

Conditions:
Myofibrillar myopathy 5. Also called: Filaminopathy (type); FILAMINOPATHY, AUTOSOMAL DOMINANT. Identifiers: Orphanet 171445, MedGen C1836050, MONDO:0012289, OMIM 609524.
Distal myopathy with posterior leg and anterior hand involvement. Also called: WILLIAMS DISTAL MYOPATHY. Identifiers: Orphanet 63273, MedGen C3279722, MONDO:0013550, OMIM 614065.
Hypertrophic cardiomyopathy 26. Also called: Cardiomyopathy, familial hypertrophic, 26. Identifiers: Orphanet 75249, MedGen C4310749, MONDO:0014883, OMIM 617047.

Allele frequency attached by ClinVar (database versions not stated): gnomAD 0.00005; TOPMed 0.00006; gnomAD exomes 0.00008; ExAC 0.00010; ESP Exome Variant Server 0.00015.
gnomAD v4.1: 87 of 1,613,434 alleles (0.0054%); highest among the groups gnomAD compares: Non-Finnish European, 0.0068%; no homozygotes.

Submissions (5):

Labcorp Genetics (formerly Invitae), Labcorp
Classification: Likely benign for Distal myopathy with posterior leg and anterior hand involvement; Myofibrillar myopathy 5; Hypertrophic cardiomyopathy 26. Last evaluated: 2026-01-07. Review status: criteria provided, single submitter. Criteria: Invitae Variant Classification Sherloc (09022015). Collection method: clinical testing. Allele origin: germline.

Women's Health and Genetics/Laboratory Corporation of America, LabCorp
Classification: Benign. Last evaluated: 2025-12-17. Review status: criteria provided, single submitter. Criteria: LabCorp Variant Classification Summary - May 2015. Collection method: clinical testing. Allele origin: germline.
Comment: Variant summary: FLNC c.5842+7C>T alters a non-conserved nucleotide located at a position not widely known to affect splicing. Several computational tools predict a significant impact on normal splicing: One predicts the variant strengthens a cryptic 5' donor site. Three predict the variant creates a 5' donor site. However, these predictions have yet to be confirmed by functional studies. The variant allele was found at a frequency of 7.6e-05 in 250558 control chromosomes, predominantly at a frequency of 0.00015 within the Non-Finnish European subpopulation in the gnomAD database. The observed variant frequency within Non-Finnish European control individuals in the gnomAD database exceeds the estimated maximal expected allele frequency for disease-causing variants in FLNC. To our knowledge, no occurrence of c.5842+7C>T in individuals affected with FLNC-related conditions and no experimental evidence demonstrating its impact on protein function have been reported. ClinVar contains an entry for this variant (Variation ID: 705377). Based on the evidence outlined above, the variant was classified as benign.

GeneDx
Classification: Uncertain significance. Last evaluated: 2025-09-19. Review status: criteria provided, single submitter. Criteria: GeneDx Variant Classification Process June 2021. Collection method: clinical testing. Allele origin: germline. Affected: yes.
Comment: In silico analysis supports a deleterious effect on splicing; Has not been previously published as pathogenic or benign to our knowledge

Blueprint Genetics
Classification: Likely benign. Last evaluated: 2024-06-07. Review status: criteria provided, single submitter. Criteria: ACMG Guidelines, 2015. Collection method: clinical testing. Allele origin: germline.

ARUP Laboratories, Molecular Genetics and Genomics, ARUP Laboratories
Classification: Uncertain significance. Last evaluated: 2023-09-06. Review status: criteria provided, single submitter. Criteria: ARUP Molecular Germline Variant Investigation Process 2024. Collection method: clinical testing. Allele origin: germline.
Comment: The FLNC c.5842+7C>T variant (rs370905549), to our knowledge, is not reported in the medical literature but is reported in ClinVar (Variation ID: 705377). This variant is found in the non-Finnish European population with an allele frequency of 0.015% (19/128,612 alleles) in the Genome Aggregation Database. This is an intronic variant in a weakly conserved nucleotide, but computational analyses (Alamut Visual Plus v.1.5.1) predict that this variant may impact splicing by creating a novel cryptic donor splice site. Due to limited information, the clinical significance of this variant is uncertain at this time.